The following is an entry in ClinVar:

NM_004333.6(BRAF):c.417A>G (p.Gln139=)

Gene: BRAF (B-Raf proto-oncogene, serine/threonine kinase; minus strand). Cytogenetic location: 7q34.
Variant type: single nucleotide variant.
Coding change: c.417A>G on transcript NM_004333.6 (MANE Select); coding-DNA position 417, A replaced by G.
Protein change: p.Gln139=; no amino-acid change (glutamine 139 retained).
Molecular consequence: synonymous variant. On other transcripts: intron variant (1).
Genome position (GRCh38, 1-based): chr7:140,834,696, T>C on the plus strand (A>G on the coding strand, the complement: BRAF is on the minus strand). VCF-style: chr7-140834696-T-C. GRCh37 (hg19) VCF-style: chr7-140534496-T-C.
Other names: c.417A>G, p.Gln139= (NM_001354609.2, NM_001374244.1, NM_001374258.1 and 5 more transcripts); c.315A>G, p.Gln105= (NM_001378470.1); c.261A>G, p.Gln87= (NM_001378472.1, NM_001378473.1); c.240+15415A>G (NM_001378475.1).
Identifiers: ClinVar variation 4993204 (VCV004993204.1).
Genomic context (GRCh38, chr7:140,834,696, plus strand): 5'-GACTCTAACGATAGGTTTTTGTGGTGACTTGGGGTTGCTCCGTGCCACATCTGTGGGATT[T>C]TGAAAAACTGAAAGAGATGAAGGTAGCACTGAAAGGCTAGAAGAGGAAGAAGATGTAACG-3'
Protein context (NP_004324.2, residues 129-149): SVLPSSLSVF[Gln139=]NPTDVARSNP

ClinVar aggregate classification (germline): Uncertain significance (1 of 4 stars; one submission).

Conditions:
BRAF-related disorder. Also called: BRAF-related condition.

Submission:

PreventionGenetics, part of Exact Sciences
Classification: Uncertain significance for BRAF-related condition. Last evaluated: 2025-10-17. Review status: criteria provided, single submitter. Criteria: ACMG Guidelines, 2015. Collection method: clinical testing. Allele origin: germline.
Comment: The BRAF c.417A>G variant is not predicted to result in an amino acid change (p.=). This variant is predicted to alter splicing based on available splicing prediction programs (SpliceAI, Jaganathan et al. 2019. PubMed ID: 30661751). However, the use of computer prediction programs is not equivalent to functional evidence. To our knowledge, this variant has not been reported in the literature or in a large population database (gnomAD), indicating this variant is rare. The vast majority of pathogenic variants are gain-of-function missense or small in-frame deletions that cause activation of BRAF that leads to upregulation of the Ras/MAPK pathway (Lee et al. 2021. PubMed ID: 33040082). At this time, the clinical significance of this variant is uncertain due to the absence of conclusive functional and genetic evidence.